The following is an entry in ClinVar:

NM_000384.3(APOB):c.2518A>G (p.Thr840Ala)

Gene: APOB (apolipoprotein B; minus strand). Cytogenetic location: 2p24.1.
Variant type: single nucleotide variant.
Coding change: c.2518A>G on transcript NM_000384.3 (MANE Select); coding-DNA position 2518, A replaced by G.
Protein change: p.Thr840Ala; replaces threonine 840 with alanine.
Molecular consequence: missense variant.
Genome position (GRCh38, 1-based): chr2:21,023,611, T>C on the plus strand (A>G on the coding strand, the complement: APOB is on the minus strand). VCF-style: chr2-21023611-T-C. GRCh37 (hg19) VCF-style: chr2-21246483-T-C.
Other names: short protein forms T840A.
Identifiers: ClinVar variation 1792489 (VCV001792489.3), dbSNP rs2465409769, ClinGen allele CA346011101.

ClinVar aggregate classification (germline): Uncertain significance. Review status: criteria provided, multiple submitters, no conflicts (2 of 4 stars). 2 submissions from 2 submitters: Uncertain significance (2). Last evaluated 2025-04-29.

Conditions:
Cardiovascular phenotype. Identifiers: MedGen CN230736.

Allele frequency attached by ClinVar (database versions not stated): gnomAD exomes below 0.00001.
gnomAD v4.1: 1 of 1,614,108 alleles (0.000062%); highest among the groups gnomAD compares: Middle Eastern, 0.016%; no homozygotes.

Submissions (2):

GeneDx
Classification: Uncertain significance. Last evaluated: 2025-04-29. Review status: criteria provided, single submitter. Criteria: GeneDx Variant Classification Process June 2021. Collection method: clinical testing. Allele origin: germline. Affected: yes.
Comment: Not observed at significant frequency in large population cohorts (gnomAD); In silico analysis supports that this missense variant has a deleterious effect on protein structure/function; Has not been previously published as pathogenic or benign to our knowledge

Ambry Genetics
Classification: Uncertain significance for Cardiovascular phenotype. Last evaluated: 2022-09-02. Review status: criteria provided, single submitter. Criteria: Ambry Variant Classification Scheme 2023. Collection method: clinical testing. Allele origin: germline.
Comment: The p.T840A variant (also known as c.2518A>G), located in coding exon 17 of the APOB gene, results from an A to G substitution at nucleotide position 2518. The threonine at codon 840 is replaced by alanine, an amino acid with similar properties. This amino acid position is conserved. In addition, this alteration is predicted to be deleterious by in silico analysis. Since supporting evidence is limited at this time, the clinical significance of this alteration remains unclear.